The following is an entry in ClinVar:

NM_006514.4(SCN10A):c.4485G>A (p.Val1495=)

Gene: SCN10A (sodium voltage-gated channel alpha subunit 10; minus strand). Cytogenetic location: 3p22.2.
Variant type: single nucleotide variant.
Coding change: c.4485G>A on transcript NM_006514.4 (MANE Select); coding-DNA position 4485, G replaced by A.
Protein change: p.Val1495=; no amino-acid change (valine 1495 retained).
Molecular consequence: synonymous variant.
Genome position (GRCh38, 1-based): chr3:38,702,011, C>T on the plus strand (G>A on the coding strand, the complement: SCN10A is on the minus strand). VCF-style: chr3-38702011-C-T. GRCh37 (hg19) VCF-style: chr3-38743502-C-T.
Other names: c.4482G>A, p.Val1494= (NM_001293306.2); c.4191G>A, p.Val1397= (NM_001293307.2).
Identifiers: ClinVar variation 3388463 (VCV003388463.14), dbSNP rs267599799.
Genomic context (GRCh38, chr3:38,702,011, plus strand): 5'-AAAGAACTGGTTGATTTTGCCCAGAATTTTCGTCTTTTCTTCACTTTGGTCATCAGTCTC[C>T]ACCATCATGGTGATCATGTTGAGGCAGATGAGGACCATGATGGTGATGTCAAAAGCTTGT-3'
Protein context (NP_006505.4, residues 1485-1505): LICLNMITMM[Val1495=]ETDDQSEEKT

ClinVar aggregate classification (germline): Likely benign (1 of 4 stars; one submission).

gnomAD v4.1: 1 of 1,613,936 alleles (0.000062%); highest among the groups gnomAD compares: Non-Finnish European, 0.000085%; no homozygotes.

Submission:

CeGaT Center for Human Genetics Tuebingen
Classification: Likely benign. Last evaluated: 2025-01-01. Review status: criteria provided, single submitter. Criteria: CeGaT Center For Human Genetics Tuebingen Variant Classification Criteria Version 2. Collection method: clinical testing. Allele origin: germline. Affected: yes. Observed: 1 variant allele.
Comment: SCN10A: BP4, BP7